The following is an entry in ClinVar:

ClinVar aggregate classification (germline): Pathogenic/Likely pathogenic. Review status: criteria provided, multiple submitters, no conflicts (2 of 4 stars). 3 submissions from 3 submitters: Pathogenic (1); Likely pathogenic (1). 1 of the submissions does not count toward it. Last evaluated 2025-08-08.

Conditions:
Cohen syndrome (COH1). Also called: PEPPER SYNDROME; Cutis verticis gyrata, retinitis pigmentosa, and sensorineural deafness. Identifiers: Orphanet 193, MedGen C0265223, MONDO:0008999, OMIM 216550.
VPS13B-related disorder. Also called: VPS13B-related condition.

Submissions (3):

Labcorp Genetics (formerly Invitae), Labcorp
Classification: Pathogenic for Cohen syndrome. Last evaluated: 2025-08-08. Review status: criteria provided, single submitter. Criteria: Invitae Variant Classification Sherloc (09022015). Collection method: clinical testing. Allele origin: germline.
Comment: This sequence change creates a premature translational stop signal (p.Thr3927Serfs*11) in the VPS13B gene. While this is not anticipated to result in nonsense mediated decay, it is expected to disrupt the last 96 amino acid(s) of the VPS13B protein. This variant is present in population databases (rs765652359, gnomAD 0.003%). This variant has not been reported in the literature in individuals affected with VPS13B-related conditions. This variant disrupts a region of the VPS13B protein in which other variant(s) (p.Lys3991Leufs*23) have been determined to be pathogenic (internal data). This suggests that this is a clinically significant region of the protein, and that variants that disrupt it are likely to be disease-causing. For these reasons, this variant has been classified as Pathogenic.

Blueprint Genetics
Classification: Likely pathogenic for VPS13B-related disorders. Last evaluated: 2021-04-19. Review status: criteria provided, single submitter. Criteria: ACMG Guidelines, 2015. Collection method: clinical testing. Allele origin: germline. Affected: yes. Observed: 2 variant alleles.

PreventionGenetics, part of Exact Sciences
Classification: Likely pathogenic for VPS13B-related condition. Last evaluated: 2024-08-07. Review status: no assertion criteria provided. Collection method: clinical testing. Allele origin: germline. Not counted in ClinVar's aggregate classification.
Comment: The VPS13B c.11705_11706delCA variant is predicted to result in a frameshift and premature protein termination (p.Thr3902Serfs*11). To our knowledge, this variant has not been reported in the literature or in a large population database, indicating this variant is rare. Frameshift variants in VPS13B are expected to be pathogenic. This variant is interpreted as likely pathogenic.

NM_152564.5(VPS13B):c.11705_11706del (p.Thr3902fs)

Gene: VPS13B (vacuolar protein sorting 13 homolog B; plus strand). Cytogenetic location: 8q22.2.
Variant type: Microsatellite.
Coding change: c.11705_11706del on transcript NM_152564.5 (MANE Select); coding-DNA positions 11705 to 11706, 2 bases deleted (CA; older notation c.11705_11706delCA).
Protein change: p.Thr3902fs; shifts the reading frame from threonine 3902.
Molecular consequence: frameshift variant.
Genome position (GRCh38, 1-based): chr8:99,871,657-99,871,658, CA deleted; deleting any 2 consecutive bases within chr8:99,871,655-99,871,658 gives the same sequence; the c. name uses the placement nearest the transcript's 3' end. VCF-style (leftmost placement, unchanged base first): chr8-99871654-TCA-T. GRCh37 (hg19) VCF-style: chr8-100883882-TCA-T.
Other names: c.11705_11706delCA (NM_152564.4); c.11780_11781del, p.Thr3927fs (NM_017890.5); c.11703_11704CA[1], p.Thr3902Serfs (NM_152564.4); short protein forms T3902fs, T3927fs.
Identifiers: ClinVar variation 3347160 (VCV003347160.3).
Genomic context (GRCh38, chr8:99,871,654, plus strand): 5'-AGCAGGCCTTCCCCGTCACAGAAATCGACTGTGCACAGGACAGCAAGCAGAACAACTTAC[TCA>T]CAGTGCAGCTCAAGCAGCCAAGAGTGGCCTGTGATGTGGAGGTACGTTTCAGAAAACAGG-3'